The following is an entry in ClinVar:

NM_014023.4(WDR37):c.740A>G (p.Asp247Gly)

Gene: WDR37 (WD repeat domain 37; plus strand). Cytogenetic location: 10p15.3.
Variant type: single nucleotide variant.
Coding change: c.740A>G on transcript NM_014023.4 (MANE Select); coding-DNA position 740, A replaced by G.
Protein change: p.Asp247Gly; replaces aspartic acid 247 with glycine.
Molecular consequence: missense variant.
Genome position (GRCh38, 1-based): chr10:1,103,615, A>G. VCF-style: chr10-1103615-A-G. GRCh37 (hg19) VCF-style: chr10-1149555-A-G.
Other names: short protein forms D247G.
Identifiers: ClinVar variation 2443495 (VCV002443495.2), dbSNP rs2490748693, ClinGen allele CA375854543.

ClinVar aggregate classification (germline): Uncertain significance (1 of 4 stars; one submission).

Submission:

GeneDx
Classification: Uncertain significance. Last evaluated: 2025-02-19. Review status: criteria provided, single submitter. Criteria: GeneDx Variant Classification Process June 2021. Collection method: clinical testing. Allele origin: germline. Affected: yes.
Comment: Not observed at significant frequency in large population cohorts (gnomAD); In silico analysis supports that this missense variant has a deleterious effect on protein structure/function; Has not been previously published as pathogenic or benign to our knowledge